The following is an entry in ClinVar:

ClinVar aggregate classification (germline): Uncertain significance. Review status: criteria provided, multiple submitters, no conflicts (2 of 4 stars). 2 submissions from 2 submitters: Uncertain significance (2). Last evaluated 2025-12-08.

Conditions:
Inborn genetic diseases. Identifiers: MedGen C0950123, MeSH D030342.

Allele frequency attached by ClinVar (database versions not stated): gnomAD 0.00001; TOPMed 0.00001.
gnomAD v4.1: 15 of 1,611,140 alleles (0.00093%); highest among the groups gnomAD compares: Admixed American, 0.0017%; no homozygotes.

Submissions (2):

Labcorp Genetics (formerly Invitae), Labcorp
Classification: Uncertain significance. Last evaluated: 2025-12-08. Review status: criteria provided, single submitter. Criteria: Invitae Variant Classification Sherloc (09022015). Collection method: clinical testing. Allele origin: germline.
Comment: This sequence change replaces aspartic acid, which is acidic and polar, with asparagine, which is neutral and polar, at codon 1174 of the SRCAP protein (p.Asp1174Asn). The frequency data for this variant in the population databases is considered unreliable, as metrics indicate poor data quality at this position in the gnomAD database. This variant has not been reported in the literature in individuals affected with SRCAP-related conditions. ClinVar contains an entry for this variant (Variation ID: 2182757). Invitae Evidence Modeling of protein sequence and biophysical properties (such as structural, functional, and spatial information, amino acid conservation, physicochemical variation, residue mobility, and thermodynamic stability) has been performed for this missense variant. However, the output from this modeling did not meet the statistical confidence thresholds required to predict the impact of this variant on SRCAP protein function. In summary, the available evidence is currently insufficient to determine the role of this variant in disease. Therefore, it has been classified as a Variant of Uncertain Significance.

Ambry Genetics
Classification: Uncertain significance for Inborn genetic diseases. Last evaluated: 2023-09-26. Review status: criteria provided, single submitter. Criteria: Ambry Variant Classification Scheme 2023. Collection method: clinical testing. Allele origin: germline.

NM_006662.3(SRCAP):c.3520G>A (p.Asp1174Asn)

Gene: SRCAP (Snf2 related CREBBP activator protein; plus strand). Cytogenetic location: 16p11.2.
Variant type: single nucleotide variant.
Coding change: c.3520G>A on transcript NM_006662.3 (MANE Select); coding-DNA position 3520, G replaced by A.
Protein change: p.Asp1174Asn; replaces aspartic acid 1174 with asparagine.
Molecular consequence: missense variant.
Genome position (GRCh38, 1-based): chr16:30,721,455, G>A. VCF-style: chr16-30721455-G-A. GRCh37 (hg19) VCF-style: chr16-30732776-G-A.
Other names: c.3520G>A (NM_006662.2); short protein forms D1174N.
Identifiers: ClinVar variation 2182757 (VCV002182757.5), dbSNP rs754266961, ClinGen allele CA280512138.
Genomic context (GRCh38, chr16:30,721,455, plus strand): 5'-GCTACCACCACAGCAGTGCCAGCTCCGACTCCTGCACCACAGCGCCTCATTCTATCTCCC[G>A]ATATGCAGGCTCGCCTGCCCTGTAAGTTCCCAGGGCTCTGTGGTGAGGGACTTGAGATGG-3'
Protein context (NP_006653.2, residues 1164-1184): PAPQRLILSP[Asp1174Asn]MQARLPSGEV